The following is an entry in ClinVar:

NM_000277.3(PAH):c.456_463dup (p.Arg155fs)

Gene: PAH (phenylalanine hydroxylase; minus strand). Cytogenetic location: 12q23.2.
Variant type: Duplication.
Coding change: c.456_463dup on transcript NM_000277.3 (MANE Select); coding-DNA positions 456 to 463, 8 bases duplicated (TGTGTACC; older notation c.456_463dupTGTGTACC).
Protein change: p.Arg155fs; shifts the reading frame from arginine 155.
Molecular consequence: frameshift variant.
Genome position (GRCh38, 1-based): chr12:102,866,642-102,866,649, GGTACACA duplicated on the plus strand (TGTGTACC on the coding strand, the reverse complement: PAH is on the minus strand); duplicating any 8 consecutive bases within chr12:102,866,642-102,866,651 gives the same sequence; the c. name uses the placement nearest the transcript's 3' end. VCF-style (leftmost placement, unchanged base first): chr12-102866641-C-CGGTACACA. GRCh37 (hg19) VCF-style: chr12-103260419-C-CGGTACACA.
Other names: NM_001354304.2:c.456_463dup; c.456_463dup, p.Arg155fs (NM_001354304.2); short protein forms R155fs.
Identifiers: ClinVar variation 1693242 (VCV001693242.1), dbSNP rs2136663420, ClinGen allele CA16020796.

ClinVar aggregate classification (germline): Pathogenic (3 of 4 stars; one submission).

Conditions:
Phenylketonuria (PKU). Also called: Phenylketonurias; FOLLING DISEASE; Phenylketonuria (PKU); OLIGOPHRENIA PHENYLPYRUVICA. Identifiers: Orphanet 716, MedGen C0031485, MONDO:0009861, OMIM 261600. Disease mechanism: loss of function.

Submission:

ClinGen PAH Variant Curation Expert Panel
Classification: Pathogenic for Phenylketonuria. Last evaluated: 2022-01-22. Review status: reviewed by expert panel. Criteria: ClinGen PAH ACMG Specifications v1. Collection method: curation. Allele origin: germline. Inheritance: Autosomal recessive inheritance.
Comment: The frameshift variant c.456_463dup generates a stop codon in exon 6 of 13 and is predicted to undergo NMD. The variant is absent from population databases, including gnomAD. It has been reported in at least one compound heterozygous patient with classical PKU (PMID: 24401910), in trans with pathogenic variant c.611A>G (ClinVar 590). In summary, this variant meets criteria to be classified as Pathogenic for PAH. PAH-specific ACMG/AMP criteria applied: PVS1, PM2, PM3_supporting, PP4.